The following is an entry in ClinVar:

ClinVar aggregate classification (germline): Benign. Review status: criteria provided, multiple submitters, no conflicts (2 of 4 stars). 7 submissions from 7 submitters: Benign (5). 2 of the submissions do not count toward it. Last evaluated 2026-02-03.

Conditions:
Long QT syndrome (LQTS). Identifiers: MedGen C0023976, MeSH D008133, MONDO:0002442. Disease mechanism: loss of function. Inheritance: Various modes of inheritance.
Long QT syndrome 12 (LQT12). Identifiers: Orphanet 101016, Orphanet 768, MedGen C2751830, MONDO:0013062, OMIM 612955.

Allele frequency attached by ClinVar (database versions not stated): gnomAD exomes 0.00036 and 0.00084; ExAC 0.00101; ESP Exome Variant Server 0.00338; TOPMed 0.00395; gnomAD 0.00404 and 0.00419; 1000 Genomes Project 0.00439; 1000 Genomes Project 30x 0.00484.
gnomAD v4.1: 1,184 of 1,611,588 alleles (0.073%); highest among the groups gnomAD compares: African/African-American, 1.4%; 10 homozygotes.

Submissions (7):

Labcorp Genetics (formerly Invitae), Labcorp
Classification: Benign for Long QT syndrome. Last evaluated: 2026-02-03. Review status: criteria provided, single submitter. Criteria: Invitae Variant Classification Sherloc (09022015). Collection method: clinical testing. Allele origin: germline.

Fulgent Genetics
Classification: Benign for Long QT syndrome 12. Last evaluated: 2021-09-29. Review status: criteria provided, single submitter. Criteria: ACMG Guidelines, 2015. Collection method: clinical testing. Allele origin: unknown.

Women's Health and Genetics/Laboratory Corporation of America, LabCorp
Classification: Benign. Last evaluated: 2018-09-17. Review status: criteria provided, single submitter. Criteria: LabCorp Variant Classification Summary - May 2015. Collection method: clinical testing. Allele origin: germline.
Comment: Variant summary: SNTA1 c.701+10G>A alters a non-conserved nucleotide located close to a canonical splice site and therefore could affect mRNA splicing, leading to a significantly altered protein sequence. 5/5 computational tools predict no significant impact on normal splicing. However, these predictions have yet to be confirmed by functional studies. The variant allele was found at a frequency of 0.0012 in 277038 control chromosomes, predominantly within the African subpopulation, at a frequency of 0.013, in the gnomAD database, including 4 homozygotes. The observed variant frequency within African control individuals in the gnomAD database is approximately 1300 fold of the estimated maximal expected allele frequency for a pathogenic variant in SNTA1 causing Arrhythmia phenotype (1e-05), strongly suggesting that the variant is a benign polymorphism found primarily in populations of African origin. To our knowledge, no occurrence of c.701+10G>A in individuals affected with Arrhythmia and no experimental evidence demonstrating its impact on protein function have been reported. One clinical diagnostic laboratory has submitted clinical-significance assessments for this variant to ClinVar after 2014 without evidence for independent evaluation, and classified the variant as benign. Based on the evidence outlined above, the variant was classified as benign.

GeneDx
Classification: Benign. Last evaluated: 2015-03-03. Review status: criteria provided, single submitter. Criteria: GeneDx Variant Classification Process June 2021. Collection method: clinical testing. Allele origin: germline. Affected: yes.

Breakthrough Genomics
Classification: Benign. Review status: criteria provided, single submitter. Criteria: ACMG Guidelines, 2015. Collection method: not provided. Allele origin: germline. Inheritance: Autosomal dominant inheritance. Affected: yes.

Clinical Genetics, Academic Medical Center
Classification: Benign. Review status: no assertion criteria provided. Collection method: clinical testing. Allele origin: germline. Affected: yes. Study: VKGL Data-share Consensus. Not counted in ClinVar's aggregate classification.

Genome Diagnostics Laboratory, University Medical Center Utrecht
Classification: Benign. Review status: no assertion criteria provided. Collection method: clinical testing. Allele origin: germline. Affected: yes. Study: VKGL Data-share Consensus. Not counted in ClinVar's aggregate classification.

NM_003098.3(SNTA1):c.701+10G>A

Gene: SNTA1 (syntrophin alpha 1; minus strand). Cytogenetic location: 20q11.21.
Variant type: single nucleotide variant.
Coding change: c.701+10G>A on transcript NM_003098.3 (MANE Select); 10 bases into the intron after coding-DNA position 701, G replaced by A.
Molecular consequence: intron variant.
Genome position (GRCh38, 1-based): chr20:33,417,709, C>T on the plus strand (G>A on the coding strand, the complement: SNTA1 is on the minus strand). VCF-style: chr20-33417709-C-T. GRCh37 (hg19) VCF-style: chr20-32005515-C-T.
Identifiers: ClinVar variation 457079 (VCV000457079.18), dbSNP rs6057846, ClinGen allele CA9817173.